The following is an entry in ClinVar:

NM_006231.4(POLE):c.2096T>A (p.Phe699Tyr)

Gene: POLE (DNA polymerase epsilon, catalytic subunit; minus strand). Cytogenetic location: 12q24.33.
Variant type: single nucleotide variant.
Coding change: c.2096T>A on transcript NM_006231.4 (MANE Select); coding-DNA position 2096, T replaced by A.
Protein change: p.Phe699Tyr; replaces phenylalanine 699 with tyrosine.
Molecular consequence: missense variant.
Genome position (GRCh38, 1-based): chr12:132,668,433, A>T on the plus strand (T>A on the coding strand, the complement: POLE is on the minus strand). VCF-style: chr12-132668433-A-T. GRCh37 (hg19) VCF-style: chr12-133245019-A-T.
Other names: c.2096T>A (NM_006231.2); short protein forms F699Y.
Identifiers: ClinVar variation 1336304 (VCV001336304.6), dbSNP rs2135975452, ClinGen allele CA387354000.

ClinVar aggregate classification (germline): Uncertain significance. Review status: criteria provided, multiple submitters, no conflicts (2 of 4 stars). 2 submissions from 2 submitters: Uncertain significance (2). Last evaluated 2022-11-04.

Conditions:
Hereditary cancer-predisposing syndrome. Also called: Tumor predisposition; Hereditary Cancer Syndrome; Neoplastic Syndromes, Hereditary; Hereditary neoplastic syndrome. Identifiers: Orphanet 140162, MedGen C0027672, MeSH D009386, MONDO:0015356.

Submissions (2):

Ambry Genetics
Classification: Uncertain significance for Hereditary cancer-predisposing syndrome. Last evaluated: 2022-11-04. Review status: criteria provided, single submitter. Criteria: Ambry Variant Classification Scheme 2023. Collection method: clinical testing. Allele origin: germline.
Comment: The p.F699Y variant (also known as c.2096T>A), located in coding exon 19 of the POLE gene, results from a T to A substitution at nucleotide position 2096. The phenylalanine at codon 699 is replaced by tyrosine, an amino acid with highly similar properties. This amino acid position is conserved. In addition, this alteration is predicted to be tolerated by in silico analysis. Since supporting evidence is limited at this time, the clinical significance of this alteration remains unclear.

Genetic Services Laboratory, University of Chicago
Classification: Uncertain significance. Last evaluated: 2017-10-18. Review status: criteria provided, single submitter. Criteria: ACMG Guidelines, 2015. Collection method: clinical testing. Allele origin: germline. Affected: no.